The following is an entry in ClinVar:

ClinVar aggregate classification (germline): Pathogenic/Likely pathogenic. Review status: criteria provided, multiple submitters, no conflicts (2 of 4 stars). 7 submissions from 7 submitters: Pathogenic (3); Likely pathogenic (1). 3 of the submissions do not count toward it. Last evaluated 2025-11-05.

Conditions:
EVC2-related disorder. Also called: EVC2-related condition.
Type IV short rib polydactyly syndrome (SRTD12). Also called: Beemer-Langer syndrome; SHORT RIB SYNDROME, BEEMER TYPE; SRPS IV; Short rib-polydactyly syndrome type 4; SRPS type 4; Short rib-polydactyly syndrome Beemer type. Identifiers: Orphanet 93268, MedGen C0432198, MONDO:0010024, OMIM 269860.
Curry-Hall syndrome (WAD). Also called: WEYERS ACRODENTAL DYSOSTOSIS. Identifiers: Orphanet 952, MedGen C0457013, MONDO:0008673, OMIM 193530.
Ellis-van Creveld syndrome (EVC). Also called: Chondroectodermal dysplasia; MESOECTODERMAL DYSPLASIA; EVC-Related Ellis-van Creveld Syndrome; EVC2-Related Ellis-van Creveld Syndrome. Identifiers: Orphanet 289, MedGen C0013903, MONDO:0009162, OMIM 225500.

Allele frequency attached by ClinVar (database versions not stated): gnomAD exomes below 0.00001; ExAC 0.00001; TOPMed 0.00001; gnomAD 0.00002; ESP Exome Variant Server 0.00008.
gnomAD v4.1: 6 of 1,613,490 alleles (0.00037%); highest among the groups gnomAD compares: African/African-American, 0.004%; no homozygotes.

Submissions (7):

Labcorp Genetics (formerly Invitae), Labcorp
Classification: Pathogenic for Curry-Hall syndrome; Ellis-van Creveld syndrome. Last evaluated: 2025-11-05. Review status: criteria provided, single submitter. Criteria: Invitae Variant Classification Sherloc (09022015). Collection method: clinical testing. Allele origin: germline.
Comment: This sequence change creates a premature translational stop signal (p.Gln1041*) in the EVC2 gene. It is expected to result in an absent or disrupted protein product. Loss-of-function variants in EVC2 are known to be pathogenic (PMID: 17024374, 19810119, 19876929). This variant is present in population databases (rs376133710, gnomAD 0.007%). This premature translational stop signal has been observed in individual(s) with short-rib polydactyly syndrome (PMID: 29068549). ClinVar contains an entry for this variant (Variation ID: 446685). For these reasons, this variant has been classified as Pathogenic.

Women's Health and Genetics/Laboratory Corporation of America, LabCorp
Classification: Pathogenic for Ellis-van Creveld syndrome. Last evaluated: 2024-01-11. Review status: criteria provided, single submitter. Criteria: LabCorp Variant Classification Summary - May 2015. Collection method: clinical testing. Allele origin: germline.
Comment: Variant summary: EVC2 c.3121C>T (p.Gln1041X) results in a premature termination codon, predicted to cause absence of the protein due to nonsense mediated decay, which is a commonly known mechanism for disease. The variant allele was found at a frequency of 4e-06 in 249074 control chromosomes (gnomAD). c.3121C>T has been reported in the literature in an individual affected with short-rib polydactyly syndrome (Zhang_2018). The following publication has been ascertained in the context of this evaluation (PMID: 29068549). ClinVar contains an entry for this variant (Variation ID: 446685). Based on the evidence outlined above, the variant was classified as pathogenic.

Equipe Genetique des Anomalies du Developpement, Université de Bourgogne
Classification: Pathogenic for Ellis-van Creveld syndrome. Last evaluated: 2023-08-01. Review status: criteria provided, single submitter. Criteria: ACMG Guidelines, 2015. Collection method: clinical testing. Allele origin: biparental. Inheritance: Autosomal recessive inheritance. Affected: yes.

Juno Genomics, Hangzhou Juno Genomics, Inc
Classification: Likely pathogenic for Ellis-van Creveld syndrome; Curry-Hall syndrome. Review status: criteria provided, single submitter. Criteria: ACMG Guidelines, 2015. Collection method: clinical testing. Allele origin: germline. Affected: yes.
Comment: Null variant in a gene where loss of function (LOF) is a known mechanism of disease.;Absent from controls (or at extremely low frequency if recessive) in Genome Aggregation Database, Exome Sequencing Project, 1000 Genomes Project, or Exome Aggregation Consortium.

PreventionGenetics, part of Exact Sciences
Classification: Likely pathogenic for EVC2-related condition. Last evaluated: 2023-11-24. Review status: no assertion criteria provided. Collection method: clinical testing. Allele origin: germline. Not counted in ClinVar's aggregate classification.
Comment: The EVC2 c.3121C>T variant is predicted to result in premature protein termination (p.Gln1041*). This variant has been reported in an individual with short rib-polydactyly syndrome, type 4 (SRPS IV, Table S3, Zhang et al. 2018. PubMed ID: 29068549). This variant is reported in 0.0062% of alleles in individuals of African descent in gnomAD. Nonsense variants in EVC2 are expected to be pathogenic. This variant is interpreted as likely pathogenic.

Dan Cohn Lab, University Of California Los Angeles
Classification: Likely pathogenic for Type IV short rib polydactyly syndrome. Last evaluated: 2017-06-01. Review status: no assertion criteria provided. Collection method: research. Allele origin: unknown. Affected: yes. Not counted in ClinVar's aggregate classification.

University of Washington Center for Mendelian Genomics, University of Washington
Classification: Likely pathogenic for short-rib polydactyly syndrome type IV. Review status: no assertion criteria provided. Collection method: research. Allele origin: inherited. Affected: yes. Not counted in ClinVar's aggregate classification.

Literature cited by the submitters: PubMed 17024374 (cited by Labcorp Genetics (formerly Invitae), Labcorp); PubMed 19810119 (cited by Labcorp Genetics (formerly Invitae), Labcorp); PubMed 19876929 (cited by Labcorp Genetics (formerly Invitae), Labcorp); PubMed 29068549 (cited by 4 submitters).

NM_147127.5(EVC2):c.3121C>T (p.Gln1041Ter)

Gene: EVC2 (EvC ciliary complex subunit 2; minus strand). Cytogenetic location: 4p16.2.
Variant type: single nucleotide variant.
Coding change: c.3121C>T on transcript NM_147127.5 (MANE Select); coding-DNA position 3121, C replaced by T.
Protein change: p.Gln1041Ter; replaces glutamine 1041 with a stop codon.
Molecular consequence: nonsense.
Genome position (GRCh38, 1-based): chr4:5,576,391, G>A on the plus strand (C>T on the coding strand, the complement: EVC2 is on the minus strand). VCF-style: chr4-5576391-G-A. GRCh37 (hg19) VCF-style: chr4-5578118-G-A.
Other names: c.2881C>T, p.Gln961Ter (NM_001166136.2); short protein forms Q1041*, Q961*.
Identifiers: ClinVar variation 446685 (VCV000446685.18), dbSNP rs376133710, ClinGen allele CA2834441.